The following is an entry in ClinVar:

ClinVar aggregate classification (germline): Uncertain significance. Review status: criteria provided, multiple submitters, no conflicts (2 of 4 stars). 4 submissions from 4 submitters: Uncertain significance (4). Last evaluated 2023-05-22.

Conditions:
Inborn genetic diseases. Identifiers: MedGen C0950123, MeSH D030342.
Immunoskeletal dysplasia with neurodevelopmental abnormalities (ISDNA). Identifiers: MedGen C4479452, MONDO:0044312, OMIM 617425.

Allele frequency attached by ClinVar (database versions not stated): gnomAD 0.00001; gnomAD exomes 0.00001 and 0.00003; ExAC 0.00002; TOPMed 0.00002.
gnomAD v4.1: 8 of 1,614,086 alleles (0.0005%); highest among the groups gnomAD compares: Admixed American, 0.012%; no homozygotes.

Submissions (4):

GeneDx
Classification: Uncertain significance. Last evaluated: 2023-05-22. Review status: criteria provided, single submitter. Criteria: GeneDx Variant Classification Process June 2021. Collection method: clinical testing. Allele origin: germline. Affected: yes.
Comment: In silico analysis supports that this missense variant has a deleterious effect on protein structure/function; Has not been previously published as pathogenic or benign to our knowledge

Ambry Genetics
Classification: Uncertain significance for Inborn genetic diseases. Last evaluated: 2022-08-16. Review status: criteria provided, single submitter. Criteria: Ambry Variant Classification Scheme 2023. Collection method: clinical testing. Allele origin: germline.

Labcorp Genetics (formerly Invitae), Labcorp
Classification: Uncertain significance. Last evaluated: 2022-05-25. Review status: criteria provided, single submitter. Criteria: Invitae Variant Classification Sherloc (09022015). Collection method: clinical testing. Allele origin: germline.
Comment: This sequence change replaces glutamic acid, which is acidic and polar, with glycine, which is neutral and non-polar, at codon 736 of the EXTL3 protein (p.Glu736Gly). This variant is present in population databases (rs776131097, gnomAD 0.02%). This variant has not been reported in the literature in individuals affected with EXTL3-related conditions. Algorithms developed to predict the effect of missense changes on protein structure and function (SIFT, PolyPhen-2, Align-GVGD) all suggest that this variant is likely to be disruptive. In summary, the available evidence is currently insufficient to determine the role of this variant in disease. Therefore, it has been classified as a Variant of Uncertain Significance.

Fulgent Genetics
Classification: Uncertain significance for Immunoskeletal dysplasia with neurodevelopmental abnormalities. Last evaluated: 2022-04-05. Review status: criteria provided, single submitter. Criteria: ACMG Guidelines, 2015. Collection method: clinical testing. Allele origin: unknown.

NM_001440.4(EXTL3):c.2207A>G (p.Glu736Gly)

Gene: EXTL3 (exostosin like glycosyltransferase 3; plus strand). Cytogenetic location: 8p21.1.
Variant type: single nucleotide variant.
Coding change: c.2207A>G on transcript NM_001440.4 (MANE Select); coding-DNA position 2207, A replaced by G.
Protein change: p.Glu736Gly; replaces glutamic acid 736 with glycine.
Molecular consequence: missense variant. On other transcripts: non-coding transcript variant (1).
Genome position (GRCh38, 1-based): chr8:28,731,281, A>G. VCF-style: chr8-28731281-A-G. GRCh37 (hg19) VCF-style: chr8-28588798-A-G.
Other names: c.2207A>G (NM_001440.2); short protein forms E736G.
Identifiers: ClinVar variation 1695625 (VCV001695625.7), dbSNP rs776131097, ClinGen allele CA4696363.